The following is an entry in ClinVar:

ClinVar aggregate classification (germline): Conflicting classifications of pathogenicity. Review status: criteria provided, conflicting classifications (1 of 4 stars). 4 submissions from 4 submitters: Uncertain significance (2); Likely benign (2). Last evaluated 2025-11-09.

Conditions:
Multiple endocrine neoplasia, type 2 (MEN2). Identifiers: Orphanet 653, MedGen C4048306, MONDO:0019003. Disease mechanism: gain of function.
Hereditary cancer-predisposing syndrome. Also called: Tumor predisposition; Hereditary neoplastic syndrome; Neoplastic Syndromes, Hereditary; Hereditary Cancer Syndrome. Identifiers: Orphanet 140162, MedGen C0027672, MeSH D009386, MONDO:0015356.

Allele frequency attached by ClinVar (database versions not stated): gnomAD 0.00003; TOPMed 0.00004; gnomAD exomes 0.00004 and 0.00001.
gnomAD v4.1: 63 of 1,608,796 alleles (0.0039%); highest among the groups gnomAD compares: Non-Finnish European, 0.0049%; no homozygotes.

Submissions (4):

Labcorp Genetics (formerly Invitae), Labcorp
Classification: Uncertain significance for Multiple endocrine neoplasia, type 2. Last evaluated: 2025-11-09. Review status: criteria provided, single submitter. Criteria: Invitae Variant Classification Sherloc (09022015). Collection method: clinical testing. Allele origin: germline.
Comment: This sequence change replaces valine, which is neutral and non-polar, with isoleucine, which is neutral and non-polar, at codon 591 of the RET protein (p.Val591Ile). This variant is present in population databases (rs776013456, gnomAD 0.0009%). This variant has not been reported in the literature in individuals affected with RET-related conditions. ClinVar contains an entry for this variant (Variation ID: 486326). An algorithm developed to predict the effect of missense changes on protein structure and function outputs the following: PolyPhen-2: "Benign". The isoleucine amino acid residue is found in multiple mammalian species, which suggests that this missense change does not adversely affect protein function. In summary, the available evidence is currently insufficient to determine the role of this variant in disease. Therefore, it has been classified as a Variant of Uncertain Significance.

Color Diagnostics, LLC DBA Color Health
Classification: Likely benign for Multiple endocrine neoplasia, type 2. Last evaluated: 2025-05-14. Review status: criteria provided, single submitter. Criteria: ACMG Guidelines, 2015. Collection method: clinical testing. Allele origin: germline.

GeneDx
Classification: Uncertain significance. Last evaluated: 2024-04-02. Review status: criteria provided, single submitter. Criteria: GeneDx Variant Classification Process June 2021. Collection method: clinical testing. Allele origin: germline.
Comment: Not observed at significant frequency in large population cohorts (gnomAD); In silico analysis supports that this missense variant does not alter protein structure/function; Has not been previously published as pathogenic or benign to our knowledge; This variant is associated with the following publications: (PMID: 14633923)

Ambry Genetics
Classification: Likely benign for Hereditary cancer-predisposing syndrome. Last evaluated: 2019-01-18. Review status: criteria provided, single submitter. Criteria: Ambry Variant Classification Scheme 2023. Collection method: clinical testing. Allele origin: germline.

NM_020975.6(RET):c.1771G>A (p.Val591Ile)

Gene: RET (ret proto-oncogene; plus strand). Cytogenetic location: 10q11.21.
Variant type: single nucleotide variant.
Coding change: c.1771G>A on transcript NM_020975.6 (MANE Select); coding-DNA position 1771, G replaced by A.
Protein change: p.Val591Ile; replaces valine 591 with isoleucine.
Molecular consequence: missense variant.
Genome position (GRCh38, 1-based): chr10:43,113,567, G>A. VCF-style: chr10-43113567-G-A. GRCh37 (hg19) VCF-style: chr10-43609015-G-A.
Other names: c.1771G>A, p.Val591Ile (NM_001406760.1, NM_001406763.1, NM_001406765.1 and 6 more transcripts); c.1642G>A, p.Val548Ile (NM_001406761.1, NM_001406762.1, NM_001406764.1 and 1 more transcripts); c.1483G>A, p.Val495Ile (NM_001406766.1, NM_001406767.1, NM_001406770.1); c.1375G>A, p.Val459Ile (NM_001406769.1, NM_001406772.1); c.874G>A, p.Val292Ile (NM_001406779.1, NM_001406780.1, NM_001406781.1 and 2 more transcripts); c.745G>A, p.Val249Ile (NM_001406783.1, NM_001406786.1); c.781G>A, p.Val261Ile (NM_001406784.1); c.586G>A, p.Val196Ile (NM_001406788.1, NM_001406789.1, NM_001406790.1); and 5 more; short protein forms V591I, V337I, V445I, V495I, V261I, V196I, V416I, V459I.
Identifiers: ClinVar variation 486326 (VCV000486326.20), dbSNP rs776013456, ClinGen allele CA206262326.